The following is an entry in ClinVar:

ClinVar aggregate classification (germline): Pathogenic (1 of 4 stars; one submission).

Allele frequency attached by ClinVar (database versions not stated): gnomAD exomes below 0.00001.
gnomAD v4.1: 1 of 1,545,356 alleles (0.000065%); highest among the groups gnomAD compares: Non-Finnish European, 0.000087%; no homozygotes.

Submission:

Labcorp Genetics (formerly Invitae), Labcorp
Classification: Pathogenic. Last evaluated: 2022-05-21. Review status: criteria provided, single submitter. Criteria: Invitae Variant Classification Sherloc (09022015). Collection method: clinical testing. Allele origin: germline.
Comment: For these reasons, this variant has been classified as Pathogenic. Algorithms developed to predict the effect of sequence changes on RNA splicing suggest that this variant may create or strengthen a splice site. This variant has not been reported in the literature in individuals affected with PIEZO1-related conditions. This variant is not present in population databases (gnomAD no frequency). This sequence change creates a premature translational stop signal (p.Gln1556*) in the PIEZO1 gene. It is expected to result in an absent or disrupted protein product. Loss-of-function variants in PIEZO1 are known to be pathogenic (PMID: 26333996).

Literature cited by the submitters: PubMed 26333996.

NM_001142864.4(PIEZO1):c.4666C>T (p.Gln1556Ter)

Gene: PIEZO1 (piezo type mechanosensitive ion channel component 1 (Er blood group); minus strand). Cytogenetic location: 16q24.3.
Variant type: single nucleotide variant.
Coding change: c.4666C>T on transcript NM_001142864.4 (MANE Select); coding-DNA position 4666, C replaced by T.
Protein change: p.Gln1556Ter; replaces glutamine 1556 with a stop codon.
Molecular consequence: nonsense.
Genome position (GRCh38, 1-based): chr16:88,722,839, G>A on the plus strand (C>T on the coding strand, the complement: PIEZO1 is on the minus strand). VCF-style: chr16-88722839-G-A. GRCh37 (hg19) VCF-style: chr16-88789247-G-A.
Other names: c.3208C>T, p.Gln1070Ter (NM_014745.1); short protein forms Q1070*, Q1556*.
Identifiers: ClinVar variation 1997542 (VCV001997542.4), dbSNP rs2507857689, ClinGen allele CA397095796.